The following is an entry in ClinVar:

NM_017763.6(RNF43):c.2122A>G (p.Lys708Glu)

Gene: RNF43 (ring finger protein 43; minus strand). Cytogenetic location: 17q22.
Variant type: single nucleotide variant.
Coding change: c.2122A>G on transcript NM_017763.6 (MANE Select); coding-DNA position 2122, A replaced by G.
Protein change: p.Lys708Glu; replaces lysine 708 with glutamic acid.
Molecular consequence: missense variant.
Genome position (GRCh38, 1-based): chr17:58,357,654, T>C on the plus strand (A>G on the coding strand, the complement: RNF43 is on the minus strand). VCF-style: chr17-58357654-T-C. GRCh37 (hg19) VCF-style: chr17-56435015-T-C.
Other names: c.2122A>G, p.Lys708Glu (NM_001305544.3); c.1741A>G, p.Lys581Glu (NM_001305545.2); short protein forms K581E, K708E.
Identifiers: ClinVar variation 3946873 (VCV003946873.1).

ClinVar aggregate classification (germline): Uncertain significance (1 of 4 stars; one submission).

gnomAD v4.1: 3 of 1,613,758 alleles (0.00019%); highest among the groups gnomAD compares: Non-Finnish European, 0.00017%; no homozygotes.

Submission:

Ambry Genetics
Classification: Uncertain significance. Last evaluated: 2025-04-28. Review status: criteria provided, single submitter. Criteria: Ambry Variant Classification Scheme 2023. Collection method: clinical testing. Allele origin: germline.
Comment: The p.K708E variant (also known as c.2122A>G), located in coding exon 8 of the RNF43 gene, results from an A to G substitution at nucleotide position 2122. The lysine at codon 708 is replaced by glutamic acid, an amino acid with similar properties. This amino acid position is conserved. In addition, this alteration is predicted to be tolerated by in silico analysis. Based on the available evidence, the clinical significance of this variant remains unclear.